The following is an entry in ClinVar:

NM_001097577.3(ANG):c.407C>T (p.Pro136Leu)

Genes: EGILA (EGFR interacting lncRNA; minus strand), RNASE4 (ribonuclease A family member 4; plus strand), ANG (angiogenin; plus strand). Cytogenetic location: 14q11.2.
Variant type: single nucleotide variant.
Coding change: c.407C>T on transcript NM_001097577.3 (MANE Select); coding-DNA position 407, C replaced by T.
Protein change: p.Pro136Leu; replaces proline 136 with leucine.
Molecular consequence: missense variant. On other transcripts: intron variant (4).
Genome position (GRCh38, 1-based): chr14:20,693,971, C>T. VCF-style: chr14-20693971-C-T. GRCh37 (hg19) VCF-style: chr14-21162130-C-T.
Other names: P112L; c.407C>T, p.Pro136Leu (NM_001145.4, NM_001385271.1, NM_001385272.1 and 2 more transcripts); c.-18+321C>T (NM_001282192.2); c.-17-5384C>T (NM_002937.5, NM_001282193.2); c.-18+5097C>T (NM_194431.3); short protein forms P136L.
Identifiers: ClinVar variation 18081 (VCV000018081.7), dbSNP rs121909543, ClinGen allele CA258112.

ClinVar aggregate classification (germline): Conflicting classifications of pathogenicity. Review status: criteria provided, conflicting classifications (1 of 4 stars). 4 submissions from 4 submitters: Likely pathogenic (1); Uncertain significance (2). 1 of the submissions does not count toward it. Last evaluated 2025-07-30.

Conditions:
ANG-related disorder. Also called: ANG-related condition.
Amyotrophic lateral sclerosis type 9 (ALS9). Identifiers: Orphanet 803, MedGen C2678468, MONDO:0012753, OMIM 611895.

Allele frequency attached by ClinVar (database versions not stated): ExAC 0.00002; gnomAD 0.00002; gnomAD exomes 0.00002.
gnomAD v4.1: 27 of 1,613,982 alleles (0.0017%); highest among the groups gnomAD compares: Admixed American, 0.0083%; no homozygotes.

Submissions (4):

Labcorp Genetics (formerly Invitae), Labcorp
Classification: Uncertain significance. Last evaluated: 2025-07-30. Review status: criteria provided, single submitter. Criteria: Invitae Variant Classification Sherloc (09022015). Collection method: clinical testing. Allele origin: germline.
Comment: This sequence change replaces proline, which is neutral and non-polar, with leucine, which is neutral and non-polar, at codon 136 of the ANG protein (p.Pro136Leu). This variant is present in population databases (rs121909543, gnomAD 0.003%). This missense change has been observed in individual(s) with amyotrophic lateral sclerosis (PMID: 17886298). This variant is also known as p.Pro112Leu. ClinVar contains an entry for this variant (Variation ID: 18081). An algorithm developed to predict the effect of missense changes on protein structure and function (PolyPhen-2) suggests that this variant is likely to be disruptive. Experimental studies have shown that this missense change affects ANG function (PMID: 17886298, 23047679). In summary, the available evidence is currently insufficient to determine the role of this variant in disease. Therefore, it has been classified as a Variant of Uncertain Significance.

PreventionGenetics, part of Exact Sciences
Classification: Uncertain significance for ANG-related condition. Last evaluated: 2024-10-17. Review status: criteria provided, single submitter. Criteria: ACMG Guidelines, 2015. Collection method: clinical testing. Allele origin: germline.
Comment: The ANG c.407C>T variant is predicted to result in the amino acid substitution p.Pro136Leu. This variant was reported in amyotrophic lateral sclerosis, although conclusive evidence of pathogenicity was not presented (also known as P112L, Wu et al. 2007. PubMed ID: 17886298; Cady et al. 2015. PubMed ID: 25382069). Functional studies suggested this variant results in partial loss of ribonucleolytic activity and complete loss of nuclear translocation activity (Padhi et al. 2012. PubMed ID: 22384259; Thiyagarajan et al. 2012. PubMed ID: 23047679; Padhi et al. 2013. PubMed ID: 23665167). This variant is reported in 0.0029% of alleles in individuals of Latino descent in gnomAD. At this time, the clinical significance of this variant is uncertain due to the absence of conclusive functional and genetic evidence.

Institute of Medical Genetics and Applied Genomics, University Hospital Tübingen
Classification: Likely pathogenic for Amyotrophic lateral sclerosis type 9. Last evaluated: 2022-07-29. Review status: criteria provided, single submitter. Criteria: ACMG Guidelines, 2015. Collection method: clinical testing. Allele origin: germline. Inheritance: Autosomal dominant inheritance. Affected: yes.
Comment: gnomAD v3.1.2: rare and only 3 heterozygous samples (<50 years); PMID: 19153377: incomplete penetrance mentioned; highly conserved amino acid (aa) which is located within functional protein domain (only 2 aa beside 1 aa – H114 - of the catalytic residue triad; “damaging” by many prediction tools; PMID: 17886298: only 1 ALS- patient mentioned (without segregation analyses) and functional analyses in cell-line (HUVEC): LoF-variant > complete loss of protein function; PMID: 23047679: functional analyses in cell- line with the same result; PMID: 25382069: 1 fALS patient with additional 2 singel pathogenic variants in 2 other ALS genes (no segregation analyses)

OMIM
Classification: Pathogenic for AMYOTROPHIC LATERAL SCLEROSIS 9. Last evaluated: 2007-12-01. Review status: no assertion criteria provided. Collection method: literature only. Allele origin: germline. Not counted in ClinVar's aggregate classification.

Literature cited by the submitters: PubMed 17886298 (cited by Labcorp Genetics (formerly Invitae), Labcorp and OMIM); PubMed 23047679 (cited by Labcorp Genetics (formerly Invitae), Labcorp).